The following is an entry in ClinVar:

ClinVar aggregate classification (germline): Uncertain significance. Review status: criteria provided, multiple submitters, no conflicts (2 of 4 stars). 2 submissions from 2 submitters: Uncertain significance (2). Last evaluated 2023-08-04.

Conditions:
Autosomal dominant hypocalcemia 1 (HYPOC1). Also called: HYPOCALCEMIA, FAMILIAL. Identifiers: MedGen C3715128, MONDO:0011013, OMIM 601198.
Familial hypocalciuric hypercalcemia (FHH). Also called: Familial benign hypercalcemia. Identifiers: Orphanet 405, MedGen C1809471, MONDO:0018458.

Allele frequency attached by ClinVar (database versions not stated): gnomAD exomes below 0.00001.
gnomAD v4.1: 5 of 1,614,148 alleles (0.00031%); highest among the groups gnomAD compares: South Asian, 0.0033%; no homozygotes.

Submissions (2):

Labcorp Genetics (formerly Invitae), Labcorp
Classification: Uncertain significance for Familial hypocalciuric hypercalcemia; Autosomal dominant hypocalcemia 1. Last evaluated: 2023-08-04. Review status: criteria provided, single submitter. Criteria: Invitae Variant Classification Sherloc (09022015). Collection method: clinical testing. Allele origin: germline.
Comment: ClinVar contains an entry for this variant (Variation ID: 838850). This sequence change replaces valine, which is neutral and non-polar, with isoleucine, which is neutral and non-polar, at codon 104 of the CASR protein (p.Val104Ile). This variant is not present in population databases (gnomAD no frequency). This missense change has been observed in individual(s) with hypocalcaemic hypercalciuria (PMID: 22422767). An algorithm developed to predict the effect of missense changes on protein structure and function (PolyPhen-2) suggests that this variant is likely to be disruptive. In summary, the available evidence is currently insufficient to determine the role of this variant in disease. Therefore, it has been classified as a Variant of Uncertain Significance.

Women's Health and Genetics/Laboratory Corporation of America, LabCorp
Classification: Uncertain significance. Last evaluated: 2022-01-13. Review status: criteria provided, single submitter. Criteria: LabCorp Variant Classification Summary - May 2015. Collection method: clinical testing. Allele origin: germline.
Comment: Variant summary: CASR c.310G>A (p.Val104Ile) results in a conservative amino acid change located in the Receptor, ligand binding region domain (IPR001828) of the encoded protein sequence. Three of four in-silico tools predict a damaging effect of the variant on protein function. The variant was absent in 251422 control chromosomes (gnomAD). The available data on variant occurrences in the general population are insufficient to allow any conclusion about variant significance. c.310G>A has been reported in the literature in at least one individual affected with autosomal dominant hypocalcaemic hypercalciuria (Hannan_2012). This report does not provide unequivocal conclusions about association of the variant with disease. To our knowledge, no experimental evidence demonstrating an impact on protein function has been reported. A ClinVar submitter (evaluation after 2014) cites the variant as uncertain significance. Based on the evidence outlined above, the variant was classified as uncertain significance.

Literature cited by the submitters: PubMed 22422767 (cited by Labcorp Genetics (formerly Invitae), Labcorp and Women's Health and Genetics/Laboratory Corporation of America, LabCorp).

NM_000388.4(CASR):c.310G>A (p.Val104Ile)

Gene: CASR (calcium sensing receptor; plus strand). Cytogenetic location: 3q21.1.
Variant type: single nucleotide variant.
Coding change: c.310G>A on transcript NM_000388.4 (MANE Select); coding-DNA position 310, G replaced by A.
Protein change: p.Val104Ile; replaces valine 104 with isoleucine.
Molecular consequence: missense variant.
Genome position (GRCh38, 1-based): chr3:122,257,205, G>A. VCF-style: chr3-122257205-G-A. GRCh37 (hg19) VCF-style: chr3-121976052-G-A.
Other names: c.310G>A, p.Val104Ile (NM_001178065.2); short protein forms V104I.
Identifiers: ClinVar variation 838850 (VCV000838850.11), dbSNP rs2074564250, ClinGen allele CA354362617.